The following is an entry in ClinVar:

NM_001349253.2(SCN11A):c.520G>C (p.Ala174Pro)

Gene: SCN11A (sodium voltage-gated channel alpha subunit 11; minus strand). Cytogenetic location: 3p22.2.
Variant type: single nucleotide variant.
Coding change: c.520G>C on transcript NM_001349253.2 (MANE Select); coding-DNA position 520, G replaced by C.
Protein change: p.Ala174Pro; replaces alanine 174 with proline.
Molecular consequence: missense variant.
Genome position (GRCh38, 1-based): chr3:38,926,900, C>G on the plus strand (G>C on the coding strand, the complement: SCN11A is on the minus strand). VCF-style: chr3-38926900-C-G. GRCh37 (hg19) VCF-style: chr3-38968391-C-G.
Other names: c.520G>C, p.Ala174Pro (NM_014139.3); c.520G>C (NM_014139.2); short protein forms A174P.
Identifiers: ClinVar variation 1488719 (VCV001488719.9), dbSNP rs748548157, ClinGen allele CA72975546.

ClinVar aggregate classification (germline): Uncertain significance. Review status: criteria provided, multiple submitters, no conflicts (2 of 4 stars). 2 submissions from 2 submitters: Uncertain significance (2). Last evaluated 2026-01-17.

Conditions:
Inborn genetic diseases. Identifiers: MedGen C0950123, MeSH D030342.
Hereditary sensory and autonomic neuropathy type 7. Also called: HSAN VII; Neuropathy, hereditary sensory and autonomic, type VII. Identifiers: Orphanet 391397, MedGen C3809882, MONDO:0014244, OMIM 615548.
Familial episodic pain syndrome with predominantly lower limb involvement. Also called: Episodic pain syndrome, familial, 3. Identifiers: Orphanet 391384, Orphanet 391392, MedGen C3809899, MONDO:0014247, OMIM 615552.

Allele frequency attached by ClinVar (database versions not stated): TOPMed 0.00001.
gnomAD v4.1: 12 of 1,612,950 alleles (0.00074%); highest among the groups gnomAD compares: Non-Finnish European, 0.001%; no homozygotes.

Submissions (2):

Labcorp Genetics (formerly Invitae), Labcorp
Classification: Uncertain significance for Familial episodic pain syndrome with predominantly lower limb involvement; Hereditary sensory and autonomic neuropathy type 7. Last evaluated: 2026-01-17. Review status: criteria provided, single submitter. Criteria: Invitae Variant Classification Sherloc (09022015). Collection method: clinical testing. Allele origin: germline.
Comment: This sequence change replaces alanine, which is neutral and non-polar, with proline, which is neutral and non-polar, at codon 174 of the SCN11A protein (p.Ala174Pro). This variant is present in population databases (no rsID available, gnomAD 0.0009%). This variant has not been reported in the literature in individuals affected with SCN11A-related conditions. ClinVar contains an entry for this variant (Variation ID: 1488719). Invitae Evidence Modeling of protein sequence and biophysical properties (such as structural, functional, and spatial information, amino acid conservation, physicochemical variation, residue mobility, and thermodynamic stability) indicates that this missense variant is expected to disrupt SCN11A protein function with a positive predictive value of 80%. In summary, the available evidence is currently insufficient to determine the role of this variant in disease. Therefore, it has been classified as a Variant of Uncertain Significance.

Ambry Genetics
Classification: Uncertain significance for Inborn genetic diseases. Last evaluated: 2024-12-09. Review status: criteria provided, single submitter. Criteria: Ambry Variant Classification Scheme 2023. Collection method: clinical testing. Allele origin: germline.